The following is an entry in ClinVar:

ClinVar aggregate classification (germline): Uncertain significance. Review status: criteria provided, multiple submitters, no conflicts (2 of 4 stars). 2 submissions from 2 submitters: Uncertain significance (2). Last evaluated 2024-02-27.

Conditions:
Atrioventricular septal defect 5 (AVSD5). Identifiers: MedGen C3280939, MONDO:0013769, OMIM 614474.

gnomAD v4.1: 2 of 1,501,542 alleles (0.00013%); highest among the groups gnomAD compares: Non-Finnish European, 0.00018%; no homozygotes.

Submissions (2):

GeneDx
Classification: Uncertain significance. Last evaluated: 2024-02-27. Review status: criteria provided, single submitter. Criteria: GeneDx Variant Classification Process June 2021. Collection method: clinical testing. Allele origin: germline. Affected: yes.
Comment: Not observed at significant frequency in large population cohorts (gnomAD); In silico analysis supports that this missense variant does not alter protein structure/function; Has not been previously published as pathogenic or benign to our knowledge

Labcorp Genetics (formerly Invitae), Labcorp
Classification: Uncertain significance for Atrioventricular septal defect 5. Last evaluated: 2022-11-15. Review status: criteria provided, single submitter. Criteria: Invitae Variant Classification Sherloc (09022015). Collection method: clinical testing. Allele origin: germline.
Comment: This variant has not been reported in the literature in individuals affected with GATA6-related conditions. Advanced modeling of protein sequence and biophysical properties (such as structural, functional, and spatial information, amino acid conservation, physicochemical variation, residue mobility, and thermodynamic stability) performed at Invitae indicates that this missense variant is not expected to disrupt GATA6 protein function. In summary, the available evidence is currently insufficient to determine the role of this variant in disease. Therefore, it has been classified as a Variant of Uncertain Significance. This sequence change replaces valine, which is neutral and non-polar, with leucine, which is neutral and non-polar, at codon 341 of the GATA6 protein (p.Val341Leu). This variant is not present in population databases (gnomAD no frequency).

NM_005257.6(GATA6):c.1021G>T (p.Val341Leu)

Gene: GATA6 (GATA binding protein 6; plus strand). Cytogenetic location: 18q11.2.
Variant type: single nucleotide variant.
Coding change: c.1021G>T on transcript NM_005257.6 (MANE Select); coding-DNA position 1021, G replaced by T.
Protein change: p.Val341Leu; replaces valine 341 with leucine.
Molecular consequence: missense variant.
Genome position (GRCh38, 1-based): chr18:22,172,165, G>T. VCF-style: chr18-22172165-G-T. GRCh37 (hg19) VCF-style: chr18-19752126-G-T.
Other names: c.1021G>T (NM_005257.4); short protein forms V341L.
Identifiers: ClinVar variation 2904137 (VCV002904137.4), dbSNP rs1270889195, ClinGen allele CA401801643.